The following is an entry in ClinVar:

ClinVar aggregate classification (germline): Likely benign (1 of 4 stars; one submission).

gnomAD v4.1: 11,123 of 1,612,942 alleles (0.69%); highest among the groups gnomAD compares: Middle Eastern, 1%; 67 homozygotes.

Submission:

CeGaT Center for Human Genetics Tuebingen
Classification: Likely benign. Last evaluated: 2026-03-01. Review status: criteria provided, single submitter. Criteria: CeGaT Center For Human Genetics Tuebingen Variant Classification Criteria Version 2. Collection method: clinical testing. Allele origin: germline. Affected: yes. Observed: 6 variant alleles.
Comment: MAP3K1: BS2

NM_005921.2(MAP3K1):c.633+26T>C

Gene: MAP3K1 (mitogen-activated protein kinase kinase kinase 1; plus strand). Cytogenetic location: 5q11.2.
Variant type: single nucleotide variant.
Coding change: c.633+26T>C on transcript NM_005921.2 (MANE Select); 26 bases into the intron after coding-DNA position 633, T replaced by C.
Molecular consequence: intron variant.
Genome position (GRCh38, 1-based): chr5:56,856,776, T>C. VCF-style: chr5-56856776-T-C. GRCh37 (hg19) VCF-style: chr5-56152603-T-C.
Identifiers: ClinVar variation 3770561 (VCV003770561.13).
Genomic context (GRCh38, chr5:56,856,776, plus strand): 5'-AATGGTTGGAAAGGAGAAATAGGCGAGGGCCTGTGGTAAGTGGCTATGGGTTACCAGTTA[T>C]AAGGAAGAAAGCATAGGAGGAAATGGAAAAGTAAGCATAAATAGATCCTCTTGTAAGCTT-3'